The following is an entry in ClinVar:

NM_006767.4(LZTR1):c.2216C>G (p.Ser739Trp)

Gene: LZTR1 (leucine zipper like post translational regulator 1; plus strand). Cytogenetic location: 22q11.21.
Variant type: single nucleotide variant.
Coding change: c.2216C>G on transcript NM_006767.4 (MANE Select); coding-DNA position 2216, C replaced by G.
Protein change: p.Ser739Trp; replaces serine 739 with tryptophan.
Molecular consequence: missense variant.
Genome position (GRCh38, 1-based): chr22:20,996,109, C>G. VCF-style: chr22-20996109-C-G. GRCh37 (hg19) VCF-style: chr22-21350398-C-G.
Other names: short protein forms S739W.
Identifiers: ClinVar variation 3238218 (VCV003238218.1), dbSNP rs762991620.

ClinVar aggregate classification (germline): Uncertain significance (1 of 4 stars; one submission).

Conditions:
Hereditary cancer-predisposing syndrome. Also called: Neoplastic Syndromes, Hereditary; Tumor predisposition; Hereditary neoplastic syndrome; Hereditary Cancer Syndrome. Identifiers: Orphanet 140162, MedGen C0027672, MeSH D009386, MONDO:0015356.
Cardiovascular phenotype. Identifiers: MedGen CN230736.

Submission:

Ambry Genetics
Classification: Uncertain significance for Cardiovascular phenotype; Hereditary cancer-predisposing syndrome. Last evaluated: 2023-07-08. Review status: criteria provided, single submitter. Criteria: Ambry Variant Classification Scheme 2023. Collection method: clinical testing. Allele origin: germline.
Comment: The p.S739W variant (also known as c.2216C>G), located in coding exon 18 of the LZTR1 gene, results from a C to G substitution at nucleotide position 2216. The serine at codon 739 is replaced by tryptophan, an amino acid with highly dissimilar properties. This amino acid position is conserved. In addition, this alteration is predicted to be deleterious by in silico analysis. Since supporting evidence is limited at this time, the clinical significance of this alteration remains unclear.